The following is an entry in ClinVar:

ClinVar aggregate classification (germline): Pathogenic (1 of 4 stars; one submission).

Conditions:
Fanconi anemia (FA). Also called: Fanconi's anemia. Identifiers: Orphanet 84, MedGen C0015625, MeSH D005199, MONDO:0019391.

Submission:

Labcorp Genetics (formerly Invitae), Labcorp
Classification: Pathogenic for Fanconi anemia. Last evaluated: 2023-09-19. Review status: criteria provided, single submitter. Criteria: Invitae Variant Classification Sherloc (09022015). Collection method: clinical testing. Allele origin: unknown.
Comment: This variant is a gross deletion of the genomic region encompassing exon(s) 37 of the FANCD2 gene. This deletion is out-of-frame, and is expected to create a premature termination codon and result in an absent or disrupted protein product. Loss-of-function variants in FANCD2 are known to be pathogenic (PMID: 17436244). This variant has not been reported in the literature in individuals affected with FANCD2-related conditions. For these reasons, this variant has been classified as Pathogenic.

Literature cited by the submitters: PubMed 17436244.

NC_000003.11:g.(?_10131956)_(10132089_?)del

Genes: FANCD2 (FA complementation group D2; plus strand), FANCD2OS (FANCD2 opposite strand; minus strand). Cytogenetic location: 3p25.3.
Variant type: Deletion.
Identifiers: ClinVar variation 3246813 (VCV003246813.1).